The following is an entry in ClinVar:

NM_003721.4(RFXANK):c.31A>T (p.Ile11Phe)

Gene: RFXANK (regulatory factor X associated ankyrin containing protein; plus strand). Cytogenetic location: 19p13.11.
Variant type: single nucleotide variant.
Coding change: c.31A>T on transcript NM_003721.4 (MANE Select); coding-DNA position 31, A replaced by T.
Protein change: p.Ile11Phe; replaces isoleucine 11 with phenylalanine.
Molecular consequence: missense variant.
Genome position (GRCh38, 1-based): chr19:19,193,977, A>T. VCF-style: chr19-19193977-A-T. GRCh37 (hg19) VCF-style: chr19-19304786-A-T.
Other names: c.31A>T, p.Ile11Phe (NM_001278727.2, NM_001278728.2, NM_001370233.1 and 6 more transcripts); short protein forms I11F.
Identifiers: ClinVar variation 1509083 (VCV001509083.6), dbSNP rs1009789125, ClinGen allele CA306276024.

ClinVar aggregate classification (germline): Uncertain significance (1 of 4 stars; one submission).

Conditions:
MHC class II deficiency. Also called: Bare lymphocyte syndrome 2; BLS, TYPE II. Identifiers: Orphanet 572, MedGen C5447452, MONDO:0008855.

Allele frequency attached by ClinVar (database versions not stated): TOPMed below 0.00001.

Submission:

Labcorp Genetics (formerly Invitae), Labcorp
Classification: Uncertain significance for MHC class II deficiency. Last evaluated: 2021-11-09. Review status: criteria provided, single submitter. Criteria: Invitae Variant Classification Sherloc (09022015). Collection method: clinical testing. Allele origin: germline.
Comment: This sequence change replaces isoleucine, which is neutral and non-polar, with phenylalanine, which is neutral and non-polar, at codon 11 of the RFXANK protein (p.Ile11Phe). This variant is not present in population databases (gnomAD no frequency). This variant has not been reported in the literature in individuals affected with RFXANK-related conditions. Algorithms developed to predict the effect of missense changes on protein structure and function (SIFT, PolyPhen-2, Align-GVGD) all suggest that this variant is likely to be tolerated. In summary, the available evidence is currently insufficient to determine the role of this variant in disease. Therefore, it has been classified as a Variant of Uncertain Significance.